The following is an entry in ClinVar:

NM_001368397.1(FRMPD4):c.3261C>T (p.Arg1087=)

Gene: FRMPD4 (FERM and PDZ domain containing 4; plus strand). Cytogenetic location: Xp22.2.
Variant type: single nucleotide variant.
Coding change: c.3261C>T on transcript NM_001368397.1 (MANE Select); coding-DNA position 3261, C replaced by T.
Protein change: p.Arg1087=; no amino-acid change (arginine 1087 retained).
Molecular consequence: synonymous variant.
Genome position (GRCh38, 1-based): chrX:12,718,087, C>T. VCF-style: chrX-12718087-C-T. GRCh37 (hg19) VCF-style: chrX-12736206-C-T.
Other names: c.3372C>T, p.Arg1124= (NM_001368395.3, NM_001368398.3); c.3267C>T, p.Arg1089= (NM_001368396.3); c.3252C>T, p.Arg1084= (NM_001368399.3); c.3141C>T, p.Arg1047= (NM_001368400.3); c.3237C>T, p.Arg1079= (NM_001368401.1, NM_001368402.3); c.3261C>T, p.Arg1087= (NM_014728.3).
Identifiers: ClinVar variation 211052 (VCV000211052.10), dbSNP rs776961749, ClinGen allele CA209016.
Genomic context (GRCh38, chrX:12,718,087, plus strand): 5'-TGTGTCTTCACGAGACAGTCAACACCTGAGCACTTTTAATCTGGAGAGAACTGCCTTTCG[C>T]AAGGACAGTCAAAGATGGTATGTGGCCACTGAAGGTGGGATGGCTGAAAAAAGTGGATTA-3'
Protein context (NP_001355326.1, residues 1077-1097): STFNLERTAF[Arg1087=]KDSQRWYVAT

ClinVar aggregate classification (germline): Conflicting classifications of pathogenicity. Review status: criteria provided, conflicting classifications (1 of 4 stars). 2 submissions from 2 submitters: Uncertain significance (1); Likely benign (1). Last evaluated 2026-02-01.

Allele frequency attached by ClinVar (database versions not stated): gnomAD below 0.00001 and 0.00002; gnomAD exomes 0.00002 and 0.00005; ExAC 0.00008; 1000 Genomes Project 30x 0.00042.
gnomAD v4.1: 26 of 1,208,591 alleles (0.0022%); highest among the groups gnomAD compares: South Asian, 0.044%; no homozygotes.

Submissions (2):

CeGaT Center for Human Genetics Tuebingen
Classification: Likely benign. Last evaluated: 2026-02-01. Review status: criteria provided, single submitter. Criteria: CeGaT Center For Human Genetics Tuebingen Variant Classification Criteria Version 2. Collection method: clinical testing. Allele origin: germline. Affected: yes. Observed: 1 variant allele.
Comment: FRMPD4: BP4, BS2

Genetic Services Laboratory, University of Chicago
Classification: Uncertain significance. Last evaluated: 2015-04-13. Review status: criteria provided, single submitter. Criteria: ACMG Guidelines, 2015. Collection method: clinical testing. Allele origin: germline.